The following is an entry in ClinVar:

ClinVar aggregate classification (germline): Uncertain significance. Review status: criteria provided, multiple submitters, no conflicts (2 of 4 stars). 3 submissions from 3 submitters: Uncertain significance (3). Last evaluated 2025-06-07.

Conditions:
Hereditary spastic paraplegia 7 (SPG7). Also called: Autosomal recessive spastic paraplegia type 7; SPASTIC PARAPLEGIA 7, AUTOSOMAL RECESSIVE, WITH OR WITHOUT CEREBELLAR ATAXIA; SPG7-related neurologic disorder; Spastic paraplegia 7; Hereditary spastic paraplegia Paraplegin type. Identifiers: Orphanet 99013, MedGen C1846564, MONDO:0011803, OMIM 607259.

Allele frequency attached by ClinVar (database versions not stated): gnomAD exomes 0.00001.
gnomAD v4.1: 10 of 1,607,766 alleles (0.00062%); highest among the groups gnomAD compares: Non-Finnish European, 0.00085%; 1 homozygote.

Submissions (3):

Labcorp Genetics (formerly Invitae), Labcorp
Classification: Uncertain significance for Hereditary spastic paraplegia 7. Last evaluated: 2025-06-07. Review status: criteria provided, single submitter. Criteria: Invitae Variant Classification Sherloc (09022015). Collection method: clinical testing. Allele origin: germline.
Comment: This sequence change affects codon 643 of the SPG7 mRNA. It is a 'silent' change, meaning that it does not change the encoded amino acid sequence of the SPG7 protein. The frequency data for this variant in the population databases is considered unreliable, as metrics indicate poor data quality at this position in the gnomAD database. This variant has not been reported in the literature in individuals affected with SPG7-related conditions. ClinVar contains an entry for this variant (Variation ID: 808162). Algorithms developed to predict the effect of sequence changes on RNA splicing suggest that this variant may disrupt the consensus splice site. In summary, the available evidence is currently insufficient to determine the role of this variant in disease. Therefore, it has been classified as a Variant of Uncertain Significance.

GeneDx
Classification: Uncertain significance. Last evaluated: 2024-06-18. Review status: criteria provided, single submitter. Criteria: GeneDx Variant Classification Process June 2021. Collection method: clinical testing. Allele origin: germline. Affected: yes.
Comment: Not observed at significant frequency in large population cohorts (gnomAD); In silico analysis supports a deleterious effect on splicing; Has not been previously published as pathogenic or benign to our knowledge

CeGaT Center for Human Genetics Tuebingen
Classification: Uncertain significance. Last evaluated: 2017-02-01. Review status: criteria provided, single submitter. Criteria: CeGaT Center For Human Genetics Tuebingen Variant Classification Criteria Version 2. Collection method: clinical testing. Allele origin: germline. Affected: yes. Observed: 1 variant allele.

NM_003119.4(SPG7):c.1929C>A (p.Val643=)

Gene: SPG7 (SPG7 matrix AAA peptidase subunit, paraplegin; plus strand). Cytogenetic location: 16q24.3.
Variant type: single nucleotide variant.
Coding change: c.1929C>A on transcript NM_003119.4 (MANE Select); coding-DNA position 1929, C replaced by A.
Protein change: p.Val643=; no amino-acid change (valine 643 retained).
Molecular consequence: synonymous variant.
Genome position (GRCh38, 1-based): chr16:89,553,128, C>A. VCF-style: chr16-89553128-C-A. GRCh37 (hg19) VCF-style: chr16-89619536-C-A.
Other names: c.1929C>A, p.Val643= (NM_001363850.1); c.1929C>A (NM_003119.2).
Identifiers: ClinVar variation 808162 (VCV000808162.47), dbSNP rs746082965, ClinGen allele CA397432943.
Genomic context (GRCh38, chr16:89,553,128, plus strand): 5'-TGAGCGGATGTGCATGGCCCTGGGAGGACGGGCCTCGGAAGCACTGTCCTTCAACGAGGT[C>A]ACTTCTGGTGAGGAGCAGCGGCGCGGGCCCTGGAGGTTTCAGAGCGCTTTTCCCTGCATG-3'
Protein context (NP_003110.1, residues 633-653): RASEALSFNE[Val643=]TSGAQDDLRK